The following is an entry in ClinVar:

NM_003793.4(CTSF):c.200_205dup (p.Gly67_Arg68dup)

Gene: CTSF (cathepsin F; minus strand). Cytogenetic location: 11q13.2.
Variant type: Duplication.
Coding change: c.200_205dup on transcript NM_003793.4 (MANE Select); coding-DNA positions 200 to 205, 6 bases duplicated (GCCGCG; older notation c.200_205dupGCCGCG).
Protein change: p.Gly67_Arg68dup.
Molecular consequence: inframe insertion.
Genome position (GRCh38, 1-based): chr11:66,568,282-66,568,287, CGCGGC duplicated on the plus strand (GCCGCG on the coding strand, the reverse complement: CTSF is on the minus strand); duplicating any 6 consecutive bases within chr11:66,568,282-66,568,291 gives the same sequence; the c. name uses the placement nearest the transcript's 3' end. VCF-style (leftmost placement, unchanged base first): chr11-66568281-A-ACGCGGC. GRCh37 (hg19) VCF-style: chr11-66335752-A-ACGCGGC.
Other names: p.Gly67_Arg68dup; c.200_205dupGCCGCG (NM_003793.3).
Identifiers: ClinVar variation 588044 (VCV000588044.19), dbSNP rs772656687, ClinGen allele CA6125701.

ClinVar aggregate classification (germline): Conflicting classifications of pathogenicity. Review status: criteria provided, conflicting classifications (1 of 4 stars). 4 submissions from 4 submitters: Uncertain significance (3); Likely benign (1). Last evaluated 2026-01-28.

Conditions:
Inborn genetic diseases. Identifiers: MedGen C0950123, MeSH D030342.
Neuronal ceroid lipofuscinosis 13 (CLN13). Also called: CEROID LIPOFUSCINOSIS, NEURONAL, 13 (KUFS TYPE); CLN13 Disease. Identifiers: Orphanet 352709, Orphanet 79262, MedGen C3715049, MONDO:0014147, OMIM 615362.

Submissions (4):

Labcorp Genetics (formerly Invitae), Labcorp
Classification: Likely benign for Neuronal ceroid lipofuscinosis 13. Last evaluated: 2026-01-28. Review status: criteria provided, single submitter. Criteria: Invitae Variant Classification Sherloc (09022015). Collection method: clinical testing. Allele origin: germline.

Mayo Clinic Laboratories, Mayo Clinic
Classification: Uncertain significance. Last evaluated: 2025-03-14. Review status: criteria provided, single submitter. Criteria: ACMG Guidelines, 2015. Collection method: clinical testing. Allele origin: germline. Observed: 2 variant alleles.
Comment: BS1, PM4

GeneDx
Classification: Uncertain significance. Last evaluated: 2023-05-24. Review status: criteria provided, single submitter. Criteria: GeneDx Variant Classification Process June 2021. Collection method: clinical testing. Allele origin: germline. Affected: yes.
Comment: In-frame duplication of 2 amino acids in a non-repeat region; Has not been previously published as pathogenic or benign to our knowledge; This variant is associated with the following publications: (PMID: 27535533)

Ambry Genetics
Classification: Uncertain significance for Inborn genetic diseases. Last evaluated: 2016-07-13. Review status: criteria provided, single submitter. Criteria: Ambry Variant Classification Scheme 2023. Collection method: clinical testing. Allele origin: germline.
Comment: The c.200_205dupGCCGCG variant (also known as p.G67_R68dup), located in coding exon 1 of the CTSF gene, results from an in-frame duplication of GCCGCG at nucleotide positions 200 to 205. This results in the duplication of 2 extra residues (GR) between codons 67 and 68. This variant was not reported in population based cohorts in the following databases: Database of Single Nucleotide Polymorphisms (dbSNP), NHLBI Exome Sequencing Project (ESP), and 1000 Genomes Project. In the ESP, this variant was not observed in 2415 samples (4830 alleles) with coverage at this position. These amino acid positions are well conserved in available vertebrate species. Since supporting evidence is limited at this time, the clinical significance of this alteration remains unclear.